The following is an entry in ClinVar:

NM_001458.5(FLNC):c.6202_6208+11del

Genes: FLNC-AS1 (FLNC antisense RNA 1; minus strand), FLNC (filamin C; plus strand). Cytogenetic location: 7q32.1.
Variant type: Deletion.
Coding change: c.6202_6208+11del on transcript NM_001458.5 (MANE Select); coding-DNA position 6202 through 11 bases into the intron after coding-DNA position 6208, 18 bases deleted (AATGCAGGTACCTCCTGC).
Molecular consequence: splice donor variant.
Genome position (GRCh38, 1-based): chr7:128,853,025-128,853,042, AATGCAGGTACCTCCTGC deleted; deleting any 18 consecutive bases within chr7:128,853,023-128,853,042 gives the same sequence; the c. name uses the placement nearest the transcript's 3' end. VCF-style (leftmost placement, unchanged base first): chr7-128853022-CGCAATGCAGGTACCTCCT-C. GRCh37 (hg19) VCF-style: chr7-128493076-CGCAATGCAGGTACCTCCT-C.
Other names: c.6103_6109+11del (NM_001127487.2).
Identifiers: ClinVar variation 2941970 (VCV002941970.3), dbSNP rs2536660619, ClinGen allele CA2740094866.
Genomic context (GRCh38, chr7:128,853,022, plus strand): 5'-TGGGGCAAGGGGCTTTCCGAGGGACACACATTCCAGGTGGCAGAGTTCATCGTGGACACT[CGCAATGCAGGTACCTCCT>C]GCCCCAGAGAGCCCCCATTCCAGCGGGTGCCTCCCACAGGCACTTGTCCTCGTCCTGCCC-3'

ClinVar aggregate classification (germline): Likely pathogenic (1 of 4 stars; one submission).

Conditions:
Hypertrophic cardiomyopathy 26. Also called: Cardiomyopathy, familial hypertrophic, 26. Identifiers: Orphanet 75249, MedGen C4310749, MONDO:0014883, OMIM 617047.
Myofibrillar myopathy 5. Also called: Filaminopathy (type); FILAMINOPATHY, AUTOSOMAL DOMINANT. Identifiers: Orphanet 171445, MedGen C1836050, MONDO:0012289, OMIM 609524.
Distal myopathy with posterior leg and anterior hand involvement. Also called: WILLIAMS DISTAL MYOPATHY. Identifiers: Orphanet 63273, MedGen C3279722, MONDO:0013550, OMIM 614065.

Submission:

Labcorp Genetics (formerly Invitae), Labcorp
Classification: Likely pathogenic for Distal myopathy with posterior leg and anterior hand involvement; Myofibrillar myopathy 5; Hypertrophic cardiomyopathy 26. Last evaluated: 2022-12-02. Review status: criteria provided, single submitter. Criteria: Invitae Variant Classification Sherloc (09022015). Collection method: clinical testing. Allele origin: germline.
Comment: In summary, the currently available evidence indicates that the variant is pathogenic, but additional data are needed to prove that conclusively. Therefore, this variant has been classified as Likely Pathogenic. Algorithms developed to predict the effect of sequence changes on RNA splicing suggest that this variant may disrupt the consensus splice site. This variant has not been reported in the literature in individuals affected with FLNC-related conditions. This variant is not present in population databases (gnomAD no frequency). This variant results in the deletion of part of exon 37 (c.6202_6208+11del) of the FLNC gene. It is expected to disrupt RNA splicing. Variants that disrupt the donor or acceptor splice site typically lead to a loss of protein function (PMID: 16199547), and loss-of-function variants in FLNC are known to be pathogenic (PMID: 27908349).

Literature cited by the submitters: PubMed 16199547; PubMed 27908349.